The following is an entry in ClinVar:

ClinVar aggregate classification (germline): Uncertain significance (1 of 4 stars; one submission).

Submission:

Ambry Genetics
Classification: Uncertain significance. Last evaluated: 2022-06-15. Review status: criteria provided, single submitter. Criteria: Ambry Variant Classification Scheme 2023. Collection method: clinical testing. Allele origin: germline.
Comment: The p.S448Y variant (also known as c.1343C>A), located in coding exon 12 of the RAD54L gene, results from a C to A substitution at nucleotide position 1343. The serine at codon 448 is replaced by tyrosine, an amino acid with dissimilar properties. This amino acid position is conserved. In addition, this alteration is predicted to be deleterious by in silico analysis. Since supporting evidence is limited at this time, the clinical significance of this alteration remains unclear.

NM_003579.4(RAD54L):c.1343C>A (p.Ser448Tyr)

Gene: RAD54L (RAD54 like; plus strand). Cytogenetic location: 1p34.1.
Variant type: single nucleotide variant.
Coding change: c.1343C>A on transcript NM_003579.4 (MANE Select); coding-DNA position 1343, C replaced by A.
Protein change: p.Ser448Tyr; replaces serine 448 with tyrosine.
Molecular consequence: missense variant.
Genome position (GRCh38, 1-based): chr1:46,272,770, C>A. VCF-style: chr1-46272770-C-A. GRCh37 (hg19) VCF-style: chr1-46738442-C-A.
Other names: c.1343C>A, p.Ser448Tyr (NM_001142548.2); c.803C>A, p.Ser268Tyr (NM_001370766.1); short protein forms S268Y, S448Y.
Identifiers: ClinVar variation 1770404 (VCV001770404.2), dbSNP rs746819393, ClinGen allele CA340179770.
Genomic context (GRCh38, chr1:46,272,770, plus strand): 5'-TGAGACAAGCCAAACCGGCAGAAGAATTGCTTGAGGGCAAGATGAGTGTGTCTTCCCTTT[C>A]TTCCATCACCTCGCTAAAGAAGCTTTGTAATCGTGAGTTGGGCTTGTGTCCTGGTGTCCT-3'
Protein context (NP_003570.2, residues 438-458): LEGKMSVSSL[Ser448Tyr]SITSLKKLCN